The following is an entry in ClinVar:

ClinVar aggregate classification (germline): Uncertain significance (1 of 4 stars; one submission).

Submission:

Labcorp Genetics (formerly Invitae), Labcorp
Classification: Uncertain significance. Last evaluated: 2023-06-09. Review status: criteria provided, single submitter. Criteria: Invitae Variant Classification Sherloc (09022015). Collection method: clinical testing. Allele origin: germline.
Comment: In summary, the available evidence is currently insufficient to determine the role of this variant in disease. Therefore, it has been classified as a Variant of Uncertain Significance. Algorithms developed to predict the effect of sequence changes on RNA splicing suggest that this variant is not likely to affect RNA splicing. This variant has not been reported in the literature in individuals affected with MICU1-related conditions. This variant is not present in population databases (gnomAD no frequency). This sequence change affects codon 164 of the MICU1 mRNA. It is a 'silent' change, meaning that it does not change the encoded amino acid sequence of the MICU1 protein. It affects a nucleotide within the consensus splice site.

NM_001195518.2(MICU1):c.492A>G (p.Glu164=)

Gene: MICU1 (mitochondrial calcium uptake 1; minus strand). Cytogenetic location: 10q22.1.
Variant type: single nucleotide variant.
Coding change: c.492A>G on transcript NM_001195518.2 (MANE Select); coding-DNA position 492, A replaced by G.
Protein change: p.Glu164=; no amino-acid change (glutamic acid 164 retained).
Molecular consequence: synonymous variant.
Genome position (GRCh38, 1-based): chr10:72,551,180, T>C on the plus strand (A>G on the coding strand, the complement: MICU1 is on the minus strand). VCF-style: chr10-72551180-T-C. GRCh37 (hg19) VCF-style: chr10-74310938-T-C.
Other names: c.492A>G, p.Glu164= (NM_001363513.2, NM_006077.4).
Identifiers: ClinVar variation 2704159 (VCV002704159.3), dbSNP rs2495642444, ClinGen allele CA470236729.